The following is an entry in ClinVar:

ClinVar aggregate classification (germline): Uncertain significance (1 of 4 stars; one submission).

Allele frequency attached by ClinVar (database versions not stated): gnomAD exomes below 0.00001; ExAC 0.00001; gnomAD 0.00002 and 0.00003.
gnomAD v4.1: 15 of 1,613,574 alleles (0.00093%); highest among the groups gnomAD compares: African/African-American, 0.008%; no homozygotes.

Submission:

Labcorp Genetics (formerly Invitae), Labcorp
Classification: Uncertain significance. Last evaluated: 2025-07-02. Review status: criteria provided, single submitter. Criteria: Invitae Variant Classification Sherloc (09022015). Collection method: clinical testing. Allele origin: germline.
Comment: This sequence change replaces serine, which is neutral and polar, with asparagine, which is neutral and polar, at codon 8 of the DDX58 protein (p.Ser8Asn). The frequency data for this variant in the population databases is considered unreliable, as metrics indicate poor data quality at this position in the gnomAD database. This variant has not been reported in the literature in individuals affected with DDX58-related conditions. ClinVar contains an entry for this variant (Variation ID: 1360246). An algorithm developed to predict the effect of missense changes on protein structure and function outputs the following: PolyPhen-2: "Benign". The asparagine amino acid residue is found in multiple mammalian species, which suggests that this missense change does not adversely affect protein function. In summary, the available evidence is currently insufficient to determine the role of this variant in disease. Therefore, it has been classified as a Variant of Uncertain Significance.

NM_014314.4(RIGI):c.23G>A (p.Ser8Asn)

Genes: RIGI (RNA sensor RIG-I; minus strand), LOC130001628 (ATAC-STARR-seq lymphoblastoid active region 28262; plus strand). Cytogenetic location: 9p21.1.
Variant type: single nucleotide variant.
Coding change: c.23G>A on transcript NM_014314.4 (MANE Select); coding-DNA position 23, G replaced by A.
Protein change: p.Ser8Asn; replaces serine 8 with asparagine.
Molecular consequence: missense variant. On other transcripts: 5 prime UTR variant (3).
Genome position (GRCh38, 1-based): chr9:32,526,144, C>T on the plus strand (G>A on the coding strand, the complement: RIGI is on the minus strand). VCF-style: chr9-32526144-C-T. GRCh37 (hg19) VCF-style: chr9-32526142-C-T.
Other names: c.23G>A, p.Ser8Asn (NM_001385907.1, NM_001385909.1, NM_001385913.1); c.-432G>A (NM_001385910.1, NM_001385914.1); c.-439G>A (NM_001385912.1); short protein forms S8N.
Identifiers: ClinVar variation 1360246 (VCV001360246.8), dbSNP rs767877838, ClinGen allele CA5020197.